The following is an entry in ClinVar:

ClinVar aggregate classification (germline): Uncertain significance. Review status: criteria provided, multiple submitters, no conflicts (2 of 4 stars). 2 submissions from 2 submitters: Uncertain significance (2). Last evaluated 2025-08-25.

Conditions:
Inborn genetic diseases. Identifiers: MedGen C0950123, MeSH D030342.
Combined immunodeficiency due to LRBA deficiency. Also called: Common variable immunodeficiency 8, with autoimmunity. Identifiers: Orphanet 445018, MedGen C3553512, MONDO:0013863, OMIM 614700.

Allele frequency attached by ClinVar (database versions not stated): ExAC 0.00002; gnomAD exomes 0.00002 and 0.00001; gnomAD 0.00007 and 0.00008; ESP Exome Variant Server 0.00008; TOPMed 0.00008.
gnomAD v4.1: 31 of 1,592,010 alleles (0.0019%); highest among the groups gnomAD compares: African/African-American, 0.038%; 1 homozygote.

Submissions (2):

Ambry Genetics
Classification: Uncertain significance for Inborn genetic diseases. Last evaluated: 2025-08-25. Review status: criteria provided, single submitter. Criteria: Ambry Variant Classification Scheme 2023. Collection method: clinical testing. Allele origin: germline.

Labcorp Genetics (formerly Invitae), Labcorp
Classification: Uncertain significance for Combined immunodeficiency due to LRBA deficiency. Last evaluated: 2020-07-25. Review status: criteria provided, single submitter. Criteria: Invitae Variant Classification Sherloc (09022015). Collection method: clinical testing. Allele origin: germline.
Comment: In summary, the available evidence is currently insufficient to determine the role of this variant in disease. Therefore, it has been classified as a Variant of Uncertain Significance. Algorithms developed to predict the effect of missense changes on protein structure and function output the following: SIFT: "Tolerated"; PolyPhen-2: "Benign"; Align-GVGD: "Class C0". The valine amino acid residue is found in multiple mammalian species, suggesting that this missense change does not adversely affect protein function. These predictions have not been confirmed by published functional studies and their clinical significance is uncertain. This variant has not been reported in the literature in individuals with LRBA-related conditions. This variant is present in population databases (rs375585628, ExAC 0.01%). This sequence change replaces isoleucine with valine at codon 935 of the LRBA protein (p.Ile935Val). The isoleucine residue is weakly conserved and there is a small physicochemical difference between isoleucine and valine.

NM_001364905.1(LRBA):c.2803A>G (p.Ile935Val)

Gene: LRBA (LPS responsive beige-like anchor protein; minus strand). Cytogenetic location: 4q31.3.
Variant type: single nucleotide variant.
Coding change: c.2803A>G on transcript NM_001364905.1 (MANE Select); coding-DNA position 2803, A replaced by G.
Protein change: p.Ile935Val; replaces isoleucine 935 with valine.
Molecular consequence: missense variant.
Genome position (GRCh38, 1-based): chr4:150,852,907, T>C on the plus strand (A>G on the coding strand, the complement: LRBA is on the minus strand). VCF-style: chr4-150852907-T-C. GRCh37 (hg19) VCF-style: chr4-151774059-T-C.
Other names: c.2803A>G, p.Ile935Val (NM_001199282.3, NM_001367550.1, NM_006726.5); short protein forms I935V.
Identifiers: ClinVar variation 1008676 (VCV001008676.8), dbSNP rs375585628, ClinGen allele CA3103135.
Genomic context (GRCh38, chr4:150,852,907, plus strand): 5'-CTGAAGTTGAAGAACACAGCCCTATTTCTTCATCAACTTTTCCTTGCTGTTCCCTAAATA[T>C]ATTGGCAAGGTTTTCTTTGTGTATTTCAAAAGTGACCTAGGTGAAAAATGTACAATCAGT-3'
Protein context (NP_001351834.1, residues 925-945): FEIHKENLAN[Ile935Val]FREQQGKVDE